The following is an entry in ClinVar:

NM_000268.4(NF2):c.686G>A (p.Gly229Asp)

Gene: NF2 (NF2, moesin-ezrin-radixin like (MERLIN) tumor suppressor; plus strand). Cytogenetic location: 22q12.2.
Variant type: single nucleotide variant.
Coding change: c.686G>A on transcript NM_000268.4 (MANE Select); coding-DNA position 686, G replaced by A.
Protein change: p.Gly229Asp; replaces glycine 229 with aspartic acid.
Molecular consequence: missense variant. On other transcripts: non-coding transcript variant (1), intron variant (4).
Genome position (GRCh38, 1-based): chr22:29,661,215, G>A. VCF-style: chr22-29661215-G-A. GRCh37 (hg19) VCF-style: chr22-30057204-G-A.
Other names: c.572G>A, p.Gly191Asp (NM_001407053.1, NM_001407056.1); c.563G>A, p.Gly188Asp (NM_001407054.1, NM_001407058.1, NM_181829.3); c.560G>A, p.Gly187Asp (NM_001407055.1, NM_181828.3); c.686G>A, p.Gly229Asp (NM_001407060.1, NM_001407066.1, NM_016418.5 and 2 more transcripts); c.437G>A, p.Gly146Asp (NM_001407063.1, NM_001407064.1, NM_181830.3 and 1 more transcripts); c.152G>A, p.Gly51Asp (NM_001407065.1); c.455G>A, p.Gly152Asp (NM_001407067.1); c.675+2951G>A (NM_001407059.1, NM_001407057.1); and 2 more; short protein forms G146D, G152D, G187D, G188D, G191D, G229D, G51D.
Identifiers: ClinVar variation 3071447 (VCV003071447.2), dbSNP rs2147007791, ClinGen allele CA411143696.

ClinVar aggregate classification (germline): Uncertain significance. Review status: criteria provided, multiple submitters, no conflicts (2 of 4 stars). 2 submissions from 2 submitters: Uncertain significance (2). Last evaluated 2026-08-17.

Conditions:
Hereditary cancer-predisposing syndrome. Also called: Tumor predisposition; Hereditary Cancer Syndrome; Neoplastic Syndromes, Hereditary; Hereditary neoplastic syndrome. Identifiers: Orphanet 140162, MedGen C0027672, MeSH D009386, MONDO:0015356.
Neurofibromatosis, type 2 (SWNV). Also called: SCHWANNOMATOSIS, VESTIBULAR; BILATERAL ACOUSTIC NEUROFIBROMATOSIS; NF2-Related Schwannomatosis. Identifiers: Orphanet 637, MedGen C0027832, MONDO:0007039, OMIM 101000. Disease mechanism: loss of function.

Allele frequency attached by ClinVar (database versions not stated): gnomAD exomes below 0.00001.
gnomAD v4.1: 1 of 1,614,220 alleles (0.000062%); highest among the groups gnomAD compares: Non-Finnish European, 0.000085%; no homozygotes.

Submissions (2):

Ambry Genetics
Classification: Uncertain significance for Hereditary cancer-predisposing syndrome. Last evaluated: 2026-08-17. Review status: criteria provided, single submitter. Criteria: Ambry Variant Classification Scheme 2023. Collection method: clinical testing. Allele origin: germline.
Comment: The p.G229D variant (also known as c.686G>A), located in coding exon 8 of the NF2 gene, results from a G to A substitution at nucleotide position 686. The glycine at codon 229 is replaced by aspartic acid, an amino acid with similar properties. This amino acid position is conserved. In addition, the in silico prediction for this alteration is inconclusive. Based on the available evidence, the clinical significance of this variant remains unclear.

All of Us Research Program, National Institutes of Health
Classification: Uncertain significance for Neurofibromatosis, type 2. Last evaluated: 2023-06-27. Review status: criteria provided, single submitter. Criteria: ACMG Guidelines, 2015. Collection method: clinical testing. Allele origin: germline. Inheritance: Autosomal dominant inheritance. Observed: 1 variant allele, 1 heterozygote.
Comment: This study involves interpretation of variants in research participants for the purpose of population health screening. Participant phenotype was not available at the time of variant classification. Additional details can be found in publication PMID: 35346344, PMCID: PMC8962531